The following is an entry in ClinVar:

NM_002386.4(MC1R):c.925C>A (p.Leu309Ile)

Gene: MC1R (melanocortin 1 receptor; plus strand). Cytogenetic location: 16q24.3.
Variant type: single nucleotide variant.
Coding change: c.925C>A on transcript NM_002386.4 (MANE Select); coding-DNA position 925, C replaced by A.
Protein change: p.Leu309Ile; replaces leucine 309 with isoleucine.
Molecular consequence: missense variant.
Genome position (GRCh38, 1-based): chr16:89,920,183, C>A. VCF-style: chr16-89920183-C-A. GRCh37 (hg19) VCF-style: chr16-89986591-C-A.
Other names: c.925C>A (NM_002386.3); short protein forms L309I.
Identifiers: ClinVar variation 3712833 (VCV003712833.3).

ClinVar aggregate classification (germline): Uncertain significance. Review status: criteria provided, multiple submitters, no conflicts (2 of 4 stars). 2 submissions from 2 submitters: Uncertain significance (2). Last evaluated 2026-02-28.

Conditions:
Melanoma, cutaneous malignant, susceptibility to, 5. Also called: Cutaneous malignant melanoma 5. Identifiers: Orphanet 618, MedGen C2751295, MONDO:0013133, OMIM 613099.

Submissions (2):

Ambry Genetics
Classification: Uncertain significance. Last evaluated: 2026-02-28. Review status: criteria provided, single submitter. Criteria: Ambry Variant Classification Scheme 2023. Collection method: clinical testing. Allele origin: germline.
Comment: The p.L309I variant (also known as c.925C>A), located in coding exon 1 of the MC1R gene, results from a C to A substitution at nucleotide position 925. The leucine at codon 309 is replaced by isoleucine, an amino acid with highly similar properties. This amino acid position is conserved. In addition, this alteration is predicted to be tolerated by in silico analysis. Based on the available evidence, the clinical significance of this variant remains unclear.

Labcorp Genetics (formerly Invitae), Labcorp
Classification: Uncertain significance for Melanoma, cutaneous malignant, susceptibility to, 5. Last evaluated: 2024-10-17. Review status: criteria provided, single submitter. Criteria: Invitae Variant Classification Sherloc (09022015). Collection method: clinical testing. Allele origin: germline.
Comment: This sequence change replaces leucine, which is neutral and non-polar, with isoleucine, which is neutral and non-polar, at codon 309 of the MC1R protein (p.Leu309Ile). This variant is present in population databases (no rsID available, gnomAD 0.0009%). This variant has not been reported in the literature in individuals affected with MC1R-related conditions. Invitae Evidence Modeling of protein sequence and biophysical properties (such as structural, functional, and spatial information, amino acid conservation, physicochemical variation, residue mobility, and thermodynamic stability) indicates that this missense variant is not expected to disrupt MC1R protein function with a negative predictive value of 80%. In summary, the available evidence is currently insufficient to determine the role of this variant in disease. Therefore, it has been classified as a Variant of Uncertain Significance.